The following is an entry in ClinVar:

ClinVar aggregate classification (germline): Benign/Likely benign. Review status: criteria provided, multiple submitters, no conflicts (2 of 4 stars). 2 submissions from 2 submitters: Benign (1); Likely benign (1). Last evaluated 2026-07-09.

Conditions:
Rhabdoid tumor predisposition syndrome 2 (RTPS2). Identifiers: Orphanet 231108, Orphanet 69077, MedGen C2750074, MONDO:0013224, OMIM 613325.

Allele frequency attached by ClinVar (database versions not stated): TOPMed 0.00004; gnomAD 0.00001; ExAC 0.00003; gnomAD exomes 0.00005 and 0.00003; ESP Exome Variant Server 0.00008.

Submissions (2):

Myriad Genetics, Inc.
Classification: Benign for Rhabdoid tumor predisposition syndrome 2. Last evaluated: 2026-07-09. Review status: criteria provided, single submitter. Criteria: Myriad Autosomal Dominant, Autosomal Recessive and X-Linked Classification Criteria (2023). Collection method: clinical testing. Allele origin: unknown.
Comment: This variant is considered benign. This variant is intronic and is not expected to impact mRNA splicing. This variant has been observed at a population frequency that is significantly greater than expected given the associated disease prevalence and penetrance.

Labcorp Genetics (formerly Invitae), Labcorp
Classification: Likely benign for Rhabdoid tumor predisposition syndrome 2. Last evaluated: 2026-01-27. Review status: criteria provided, single submitter. Criteria: Invitae Variant Classification Sherloc (09022015). Collection method: clinical testing. Allele origin: germline.

NM_003072.5(SMARCA4):c.860-19_860-18insT

Gene: SMARCA4 (SWI/SNF related BAF chromatin remodeling complex subunit ATPase 4; plus strand). Cytogenetic location: 19p13.2.
Variant type: Insertion.
Coding change: c.860-19_860-18insT on transcript NM_003072.5 (MANE Select); 19 bases into the intron before coding-DNA position 860 through 18 bases into the intron before coding-DNA position 860, T inserted.
Molecular consequence: intron variant.
Genome position: GRCh38 VCF-style: chr19-10987647-G-GT. GRCh37 (hg19) VCF-style: chr19-11098323-G-GT.
Other names: c.860-19_860-18insT (NM_001128844.3, NM_001128849.3, NM_001128847.4 and 5 more transcripts).
Identifiers: ClinVar variation 1590145 (VCV001590145.9), dbSNP rs768447526, ClinGen allele CA9203609.